The following is an entry in ClinVar:

ClinVar aggregate classification (germline): Uncertain significance (1 of 4 stars; one submission).

Conditions:
Finnish congenital nephrotic syndrome (NPHS1). Also called: NEPHROTIC SYNDROME, TYPE 1. Identifiers: Orphanet 839, MedGen C0403399, MONDO:0009732, OMIM 256300.

Submission:

Victorian Clinical Genetics Services, Murdoch Childrens Research Institute
Classification: Uncertain significance for Finnish congenital nephrotic syndrome. Last evaluated: 2021-05-06. Review status: criteria provided, single submitter. Criteria: ACMG Guidelines, 2015. Collection method: clinical testing. Allele origin: germline. Inheritance: Autosomal recessive inheritance. Affected: yes.
Comment: Based on the classification scheme VCGS_Germline_v1.3.4, this variant is classified as VUS-3A. Following criteria are met: 0102 - Loss of function is a known mechanism of disease in this gene and is associated with type 1 nephrotic syndrome (MIM#256300). (I) 0106 - This gene is associated with autosomal recessive disease. (I) 0216 - In-frame insertion/deletion in a non-repetitive region that has low conservation. (SP) 0251 - This variant is heterozygous. (I) 0304 - Variant is present in gnomAD (v2) <0.01 for a recessive condition (1 heterozygote, 0 homozygotes). (SP) 0600 - Variant is located in the annotated immunoglobulin V-set domain (PDB). (I) 0705 - No comparable in-frame deletion variants have previous evidence for pathogenicity. (I) 0803 - This variant has limited previous evidence of pathogenicity in an unrelated individual. It has been reported in a patient with congenital nephrotic syndrome who is also heterozygous for a frameshift variant (PMID: 23949594). (SP) 0905 - No published segregation evidence has been identified for this variant. (I) 1007 - No published functional evidence has been identified for this variant. (I) 1207 - Parental origin of the variant is unresolved. Legend: (SP) - Supporting pathogenic, (I) - Information, (SB) - Supporting benign

Literature cited by the submitters: PubMed 23949594.

NM_004646.4(NPHS1):c.162_176del (p.Val55_Gly59del)

Genes: KIRREL2 (kirre like nephrin family adhesion molecule 2; plus strand), NPHS1 (NPHS1 adhesion molecule, nephrin; minus strand). Cytogenetic location: 19q13.12.
Variant type: Deletion.
Coding change: c.162_176del on transcript NM_004646.4 (MANE Select); coding-DNA positions 162 to 176, 15 bases deleted (GGTCAGCACCCCTGG).
Protein change: p.Val55_Gly59del.
Molecular consequence: inframe deletion. On other transcripts: inframe indel (1).
Genome position (GRCh38, 1-based): chr19:35,851,555-35,851,569, CCAGGGGTGCTGACC deleted on the plus strand (GGTCAGCACCCCTGG on the coding strand, the reverse complement: NPHS1 is on the minus strand); deleting any 15 consecutive bases within chr19:35,851,555-35,851,572 gives the same sequence; the c. name uses the placement nearest the transcript's 3' end. VCF-style (leftmost placement, unchanged base first): chr19-35851554-GCCAGGGGTGCTGACC-G. GRCh37 (hg19) VCF-style: chr19-36342456-GCCAGGGGTGCTGACC-G.
Other names: c.159_173delTGGGGTCAGCACCCC, p.Val55_Gly59del (NM_004646.3).
Identifiers: ClinVar variation 1806196 (VCV001806196.1), dbSNP rs764566346, ClinGen allele CA9390891.